The following is an entry in ClinVar:

NM_001048174.2(MUTYH):c.1465T>C (p.Cys489Arg)

Gene: MUTYH (mutY DNA glycosylase; minus strand). Cytogenetic location: 1p34.1.
Variant type: single nucleotide variant.
Coding change: c.1465T>C on transcript NM_001048174.2 (MANE Select); coding-DNA position 1465, T replaced by C.
Protein change: p.Cys489Arg; replaces cysteine 489 with arginine.
Molecular consequence: missense variant. On other transcripts: non-coding transcript variant (2).
Genome position (GRCh38, 1-based): chr1:45,329,407, A>G on the plus strand (T>C on the coding strand, the complement: MUTYH is on the minus strand). VCF-style: chr1-45329407-A-G. GRCh37 (hg19) VCF-style: chr1-45795079-A-G.
Other names: c.1465T>C, p.Cys489Arg (NM_001048171.2, NM_001048173.2, NM_001293195.2); c.1468T>C, p.Cys490Arg (NM_001048172.2); c.1549T>C, p.Cys517Arg (NM_001128425.2); c.1510T>C, p.Cys504Arg (NM_001293190.2); c.1498T>C, p.Cys500Arg (NM_001293191.2); c.1189T>C, p.Cys397Arg (NM_001293192.2, NM_001293196.2); c.1120T>C, p.Cys374Arg (NM_001350650.2, NM_001350651.2); c.1540T>C, p.Cys514Arg (NM_012222.3); and 1 more; short protein forms C397R, C489R, C500R, C374R, C514R, C517R, C490R, C504R.
Identifiers: ClinVar variation 1478800 (VCV001478800.10), dbSNP rs2149089530, ClinGen allele CA340131852.

ClinVar aggregate classification (germline): Conflicting classifications of pathogenicity. Review status: criteria provided, conflicting classifications (1 of 4 stars). 2 submissions from 2 submitters: Uncertain significance (1); Benign (1). Last evaluated 2025-09-09.

Conditions:
Familial adenomatous polyposis 2. Also called: MYH-associated polyposis; Adenomas, multiple colorectal; COLORECTAL ADENOMATOUS POLYPOSIS, AUTOSOMAL RECESSIVE; ADENOMAS, MULTIPLE COLORECTAL, AUTOSOMAL RECESSIVE; FAP type 2; MUTYH Polyposis. Identifiers: Orphanet 220460, Orphanet 247798, MedGen C3272841, MONDO:0012041, OMIM 608456.
Hereditary cancer-predisposing syndrome. Also called: Tumor predisposition; Neoplastic Syndromes, Hereditary; Hereditary Cancer Syndrome; Hereditary neoplastic syndrome. Identifiers: Orphanet 140162, MedGen C0027672, MeSH D009386, MONDO:0015356.

Submissions (2):

Ambry Genetics
Classification: Benign for Hereditary cancer-predisposing syndrome. Last evaluated: 2025-09-09. Review status: criteria provided, single submitter. Criteria: Ambry Variant Classification Scheme 2023. Collection method: clinical testing. Allele origin: germline.

Labcorp Genetics (formerly Invitae), Labcorp
Classification: Uncertain significance for Familial adenomatous polyposis 2. Last evaluated: 2020-12-16. Review status: criteria provided, single submitter. Criteria: Invitae Variant Classification Sherloc (09022015). Collection method: clinical testing. Allele origin: germline.
Comment: In summary, the available evidence is currently insufficient to determine the role of this variant in disease. Therefore, it has been classified as a Variant of Uncertain Significance. Algorithms developed to predict the effect of missense changes on protein structure and function (SIFT, PolyPhen-2, Align-GVGD) all suggest that this variant is likely to be tolerated, but these predictions have not been confirmed by published functional studies and their clinical significance is uncertain. This variant has not been reported in the literature in individuals with MUTYH-related conditions. This variant is not present in population databases (ExAC no frequency). This sequence change replaces cysteine with arginine at codon 517 of the MUTYH protein (p.Cys517Arg). The cysteine residue is weakly conserved and there is a large physicochemical difference between cysteine and arginine.